The following is an entry in ClinVar:

ClinVar aggregate classification (germline): Likely pathogenic (1 of 4 stars; one submission).

Conditions:
Bethlem myopathy 1A. Also called: MYOPATHY, BENIGN CONGENITAL, WITH CONTRACTURES; Bethlem myopathy 1; Bethlem Muscular Dystrophy. Identifiers: Orphanet 610, MedGen CN029274, MONDO:0024530, OMIM 158810.

Submission:

Labcorp Genetics (formerly Invitae), Labcorp
Classification: Likely pathogenic for Bethlem myopathy 1A. Last evaluated: 2019-12-02. Review status: criteria provided, single submitter. Criteria: Invitae Variant Classification Sherloc (09022015). Collection method: clinical testing. Allele origin: unknown.
Comment: In summary, the currently available evidence indicates that the variant is pathogenic, but additional data are needed to prove that conclusively. Therefore, this variant has been classified as Likely Pathogenic. Loss-of-function variants in COL6A2 are known to be pathogenic (PMID: 19884007, 20976770). This variant has not been reported in the literature in individuals with COL6A2-related conditions. This variant results in the deletion of exon 4 and part of exon 3 (c.542_735+395del) of the COL6A2 gene. It is expected to disrupt RNA splicing and likely results in an absent or disrupted protein product.

Literature cited by the submitters: PubMed 19884007; PubMed 20976770.

NC_000021.8:g.(?_47532319)_(47533133_?)del

Gene: COL6A2 (collagen type VI alpha 2 chain; plus strand). Cytogenetic location: 21q22.3.
Variant type: Deletion.
Identifiers: ClinVar variation 3248176 (VCV003248176.1).